The following is an entry in ClinVar:

NM_000059.4(BRCA2):c.9237T>C (p.Val3079=)

Gene: BRCA2 (BRCA2 DNA repair associated; plus strand). Cytogenetic location: 13q13.1.
Variant type: single nucleotide variant.
Coding change: c.9237T>C on transcript NM_000059.4 (MANE Select); coding-DNA position 9237, T replaced by C.
Protein change: p.Val3079=; no amino-acid change (valine 3079 retained).
Molecular consequence: synonymous variant.
Genome position (GRCh38, 1-based): chr13:32,380,126, T>C. VCF-style: chr13-32380126-T-C. GRCh37 (hg19) VCF-style: chr13-32954263-T-C.
Other names: 9465T/C.
Identifiers: ClinVar variation 52782 (VCV000052782.25), dbSNP rs80359805, ClinGen allele CA026045.

ClinVar aggregate classification (germline): Likely benign. Review status: reviewed by expert panel (3 of 4 stars). 10 submissions from 10 submitters: Likely benign (1). 9 of the submissions do not count toward it. Last evaluated 2017-06-29.

Conditions:
Hereditary breast ovarian cancer syndrome. Also called: Hereditary breast and ovarian cancer syndrome; Hereditary breast and ovarian cancer; Hereditary breast and ovarian cancer syndrome (HBOC); Breast and ovarian cancer; Hereditary breast and/or ovarian cancer syndrome; BRCA1- and BRCA2-Associated Hereditary Breast and Ovarian Cancer. Identifiers: Orphanet 145, MedGen C0677776, MeSH D061325, MONDO:0003582. Disease mechanism: loss of function.
BRCA2-related cancer predisposition. Identifiers: MedGen CN377758, MONDO:0700269.
Hereditary cancer-predisposing syndrome. Also called: Neoplastic Syndromes, Hereditary; Tumor predisposition; Hereditary neoplastic syndrome; Hereditary Cancer Syndrome. Identifiers: Orphanet 140162, MedGen C0027672, MeSH D009386, MONDO:0015356.
Breast-ovarian cancer, familial, susceptibility to, 2 (BROVCA2). Also called: BRCA2 Hereditary Breast and Ovarian Cancer. Identifiers: Orphanet 145, MedGen C2675520, MONDO:0012933, OMIM 612555. Disease mechanism: loss of function.

Allele frequency attached by ClinVar (database versions not stated): gnomAD exomes below 0.00001 and 0.00001; ExAC 0.00001; gnomAD 0.00003 and 0.00004; TOPMed 0.00005; ESP Exome Variant Server 0.00015.
gnomAD v4.1: 15 of 1,613,500 alleles (0.00093%); highest among the groups gnomAD compares: African/African-American, 0.016%; no homozygotes.

Submissions (10):

Evidence-based Network for the Interpretation of Germline Mutant Alleles (ENIGMA)
Classification: Likely benign for Breast-ovarian cancer, familial, susceptibility to, 2. Last evaluated: 2017-06-29. Review status: reviewed by expert panel. Criteria: ENIGMA BRCA1/2 Classification Criteria (2017-06-29). Collection method: curation. Allele origin: germline.
Comment: Synonymous substitution variant, with low bioinformatic likelihood to result in a splicing aberration (Splicing prior probability 0.02).

Labcorp Genetics (formerly Invitae), Labcorp
Classification: Likely benign for Hereditary breast ovarian cancer syndrome. Last evaluated: 2026-02-01. Review status: criteria provided, single submitter. Criteria: Invitae Variant Classification Sherloc (09022015). Collection method: clinical testing. Allele origin: germline. Not counted in ClinVar's aggregate classification.

All of Us Research Program, National Institutes of Health
Classification: Likely benign for BRCA2-related cancer predisposition. Last evaluated: 2024-06-17. Review status: criteria provided, single submitter. Criteria: ACMG Guidelines, 2015. Collection method: clinical testing. Allele origin: germline. Inheritance: Autosomal dominant inheritance. Observed: 4 variant alleles, 4 heterozygotes. Not counted in ClinVar's aggregate classification.
Comment: This study involves interpretation of variants in research participants for the purpose of population health screening. Participant phenotype was not available at the time of variant classification. Additional details can be found in publication PMID: 35346344, PMCID: PMC8962531

Sema4
Classification: Likely benign for Hereditary cancer-predisposing syndrome. Last evaluated: 2021-05-18. Review status: criteria provided, single submitter. Criteria: Sema4 Curation Guidelines. Collection method: curation. Allele origin: germline. Not counted in ClinVar's aggregate classification.

GeneDx
Classification: Likely benign. Last evaluated: 2021-01-21. Review status: criteria provided, single submitter. Criteria: GeneDx Variant Classification Process June 2021. Collection method: clinical testing. Allele origin: germline. Affected: yes. Not counted in ClinVar's aggregate classification.
Comment: This variant is associated with the following publications: (PMID: 9971877)

Women's Health and Genetics/Laboratory Corporation of America, LabCorp
Classification: Likely benign. Last evaluated: 2019-10-13. Review status: criteria provided, single submitter. Criteria: LabCorp Variant Classification Summary - May 2015. Collection method: clinical testing. Allele origin: germline. Not counted in ClinVar's aggregate classification.

Ambry Genetics
Classification: Likely benign for Hereditary cancer-predisposing syndrome. Last evaluated: 2015-12-31. Review status: criteria provided, single submitter. Criteria: Ambry Variant Classification Scheme 2023. Collection method: clinical testing. Allele origin: germline. Not counted in ClinVar's aggregate classification.

Color Diagnostics, LLC DBA Color Health
Classification: Likely benign for Hereditary cancer-predisposing syndrome. Last evaluated: 2015-04-24. Review status: criteria provided, single submitter. Criteria: ACMG Guidelines, 2015. Collection method: clinical testing. Allele origin: germline. Not counted in ClinVar's aggregate classification.

Counsyl
Classification: Likely benign for Breast-ovarian cancer, familial, susceptibility to, 2. Last evaluated: 2018-03-02. Review status: no assertion criteria provided. Collection method: clinical testing. Allele origin: unknown. Not counted in ClinVar's aggregate classification.

Breast Cancer Information Core (BIC) (BRCA2)
Classification: Uncertain significance for Breast-ovarian cancer, familial 2. Last evaluated: 1998-11-30. Review status: no assertion criteria provided. Collection method: clinical testing. Allele origin: germline. Affected: yes. Observed: 1 variant allele. Not counted in ClinVar's aggregate classification.

Literature cited by the submitters: PubMed 9971877 (cited by Women's Health and Genetics/Laboratory Corporation of America, LabCorp and Counsyl).